The following is an entry in ClinVar:

ClinVar aggregate classification (germline): Benign (1 of 4 stars; one submission).

Conditions:
Melanoma, cutaneous malignant, susceptibility to, 3. Also called: Cutaneous malignant melanoma 3. Identifiers: Orphanet 618, MedGen C1836892, MONDO:0012183, OMIM 609048.

Submission:

Myriad Genetics, Inc.
Classification: Benign for Melanoma, cutaneous malignant, susceptibility to, 3. Last evaluated: 2024-09-25. Review status: criteria provided, single submitter. Criteria: Myriad Autosomal Dominant, Autosomal Recessive and X-Linked Classification Criteria (2023). Collection method: clinical testing. Allele origin: unknown.
Comment: This variant is considered benign. This variant is a silent/synonymous amino acid change and it is not expected to impact splicing.

NM_000075.4(CDK4):c.519C>A (p.Pro173=)

Gene: CDK4 (cyclin dependent kinase 4; minus strand). Cytogenetic location: 12q14.1.
Variant type: single nucleotide variant.
Coding change: c.519C>A on transcript NM_000075.4 (MANE Select); coding-DNA position 519, C replaced by A.
Protein change: p.Pro173=; no amino-acid change (proline 173 retained).
Molecular consequence: synonymous variant.
Genome position (GRCh38, 1-based): chr12:57,750,926, G>T on the plus strand (C>A on the coding strand, the complement: CDK4 is on the minus strand). VCF-style: chr12-57750926-G-T. GRCh37 (hg19) VCF-style: chr12-58144709-G-T.
Identifiers: ClinVar variation 3378660 (VCV003378660.1).